The following is an entry in ClinVar:

ClinVar aggregate classification (germline): Uncertain significance (1 of 4 stars; one submission).

Conditions:
Atrioventricular septal defect 4 (AVSD4). Identifiers: MedGen C3280781, MONDO:0013747, OMIM 614430.

gnomAD v4.1: 1 of 1,614,234 alleles (0.000062%); no homozygotes.

Submission:

Labcorp Genetics (formerly Invitae), Labcorp
Classification: Uncertain significance for Atrioventricular septal defect 4. Last evaluated: 2024-08-27. Review status: criteria provided, single submitter. Criteria: Invitae Variant Classification Sherloc (09022015). Collection method: clinical testing. Allele origin: germline.
Comment: This sequence change replaces lysine, which is basic and polar, with arginine, which is basic and polar, at codon 246 of the GATA4 protein (p.Lys246Arg). This variant is not present in population databases (gnomAD no frequency). This variant has not been reported in the literature in individuals affected with GATA4-related conditions. Invitae Evidence Modeling of protein sequence and biophysical properties (such as structural, functional, and spatial information, amino acid conservation, physicochemical variation, residue mobility, and thermodynamic stability) has been performed for this missense variant. However, the output from this modeling did not meet the statistical confidence thresholds required to predict the impact of this variant on GATA4 protein function. In summary, the available evidence is currently insufficient to determine the role of this variant in disease. Therefore, it has been classified as a Variant of Uncertain Significance.

NM_001308093.3(GATA4):c.740A>G (p.Lys247Arg)

Gene: GATA4 (GATA binding protein 4). Cytogenetic location: 8p23.1.
Variant type: single nucleotide variant.
Coding change: c.740A>G on transcript NM_001308093.3 (MANE Select); coding-DNA position 740, A replaced by G.
Protein change: p.Lys247Arg; replaces lysine 247 with arginine.
Molecular consequence: missense variant.
Genome position (GRCh38, 1-based): chr8:11,749,039, A>G. VCF-style: chr8-11749039-A-G. GRCh37 (hg19) VCF-style: chr8-11606548-A-G.
Other names: c.119A>G, p.Lys40Arg (NM_001308094.2, NM_001374273.1, NM_001374274.1); c.737A>G, p.Lys246Arg (NM_002052.5); short protein forms K246R, K247R, K40R.
Identifiers: ClinVar variation 3663478 (VCV003663478.2).